The following is an entry in ClinVar:

ClinVar aggregate classification (germline): Uncertain significance (1 of 4 stars; one submission).

Conditions:
Fanconi anemia (FA). Also called: Fanconi's anemia. Identifiers: Orphanet 84, MedGen C0015625, MeSH D005199, MONDO:0019391.

gnomAD v4.1: 4 of 1,614,078 alleles (0.00025%); highest among the groups gnomAD compares: East Asian, 0.0089%; no homozygotes.

Submission:

Labcorp Genetics (formerly Invitae), Labcorp
Classification: Uncertain significance for Fanconi anemia. Last evaluated: 2021-07-24. Review status: criteria provided, single submitter. Criteria: Invitae Variant Classification Sherloc (09022015). Collection method: clinical testing. Allele origin: germline.
Comment: In summary, the available evidence is currently insufficient to determine the role of this variant in disease. Therefore, it has been classified as a Variant of Uncertain Significance. Experimental studies have shown that this variant affects FANCL protein function (PMID: 32420600). Algorithms developed to predict the effect of missense changes on protein structure and function (SIFT, PolyPhen-2, Align-GVGD) all suggest that this variant is likely to be tolerated. This variant has not been reported in the literature in individuals affected with FANCL-related conditions. This variant is present in population databases (rs779439089, ExAC 0.01%). This sequence change replaces threonine with lysine at codon 224 of the FANCL protein (p.Thr224Lys). The threonine residue is highly conserved and there is a moderate physicochemical difference between threonine and lysine.

Literature cited by the submitters: PubMed 32420600.

NM_018062.4(FANCL):c.671C>A (p.Thr224Lys)

Gene: FANCL (FA complementation group L; minus strand). Cytogenetic location: 2p16.1.
Variant type: single nucleotide variant.
Coding change: c.671C>A on transcript NM_018062.4 (MANE Select); coding-DNA position 671, C replaced by A.
Protein change: p.Thr224Lys; replaces threonine 224 with lysine.
Molecular consequence: missense variant.
Genome position (GRCh38, 1-based): chr2:58,165,744, G>T on the plus strand (C>A on the coding strand, the complement: FANCL is on the minus strand). VCF-style: chr2-58165744-G-T. GRCh37 (hg19) VCF-style: chr2-58392879-G-T.
Other names: c.716C>A, p.Thr239Lys (NM_001374615.1); c.731C>A, p.Thr244Lys (NM_001410792.1); c.686C>A, p.Thr229Lys (NM_001114636.2); short protein forms T229K, T239K, T224K, T244K.
Identifiers: ClinVar variation 1439358 (VCV001439358.6), dbSNP rs779439089, ClinGen allele CA1670526.